The following is an entry in ClinVar:

ClinVar aggregate classification (germline): Uncertain significance (1 of 4 stars; one submission).

gnomAD v4.1: 1 of 1,613,960 alleles (0.000062%); highest among the groups gnomAD compares: Non-Finnish European, 0.000085%; no homozygotes.

Submission:

Labcorp Genetics (formerly Invitae), Labcorp
Classification: Uncertain significance. Last evaluated: 2024-09-17. Review status: criteria provided, single submitter. Criteria: Invitae Variant Classification Sherloc (09022015). Collection method: clinical testing. Allele origin: germline.
Comment: This sequence change replaces phenylalanine, which is neutral and non-polar, with leucine, which is neutral and non-polar, at codon 527 of the DEAF1 protein (p.Phe527Leu). This variant is present in population databases (no rsID available, gnomAD 0.0009%). This variant has not been reported in the literature in individuals affected with DEAF1-related conditions. Invitae Evidence Modeling of protein sequence and biophysical properties (such as structural, functional, and spatial information, amino acid conservation, physicochemical variation, residue mobility, and thermodynamic stability) indicates that this missense variant is expected to disrupt DEAF1 protein function with a positive predictive value of 95%. In summary, the available evidence is currently insufficient to determine the role of this variant in disease. Therefore, it has been classified as a Variant of Uncertain Significance.

NM_021008.4(DEAF1):c.1581C>G (p.Phe527Leu)

Gene: DEAF1 (DEAF1 transcription factor; minus strand). Cytogenetic location: 11p15.5.
Variant type: single nucleotide variant.
Coding change: c.1581C>G on transcript NM_021008.4 (MANE Select); coding-DNA position 1581, C replaced by G.
Protein change: p.Phe527Leu; replaces phenylalanine 527 with leucine.
Molecular consequence: missense variant.
Genome position (GRCh38, 1-based): chr11:653,974, G>C on the plus strand (C>G on the coding strand, the complement: DEAF1 is on the minus strand). VCF-style: chr11-653974-G-C. GRCh37 (hg19) VCF-style: chr11-653974-G-C.
Other names: c.1356C>G, p.Phe452Leu (NM_001293634.2); c.855C>G, p.Phe285Leu (NM_001367390.1); short protein forms F527L, F452L, F285L.
Identifiers: ClinVar variation 3671950 (VCV003671950.2).